The following is an entry in ClinVar:

NM_015272.5(RPGRIP1L):c.759G>A (p.Gln253=)

Gene: RPGRIP1L (RPGRIP1 like; minus strand). Cytogenetic location: 16q12.2.
Variant type: single nucleotide variant.
Coding change: c.759G>A on transcript NM_015272.5 (MANE Select); coding-DNA position 759, G replaced by A.
Protein change: p.Gln253=; no amino-acid change (glutamine 253 retained).
Molecular consequence: synonymous variant.
Genome position (GRCh38, 1-based): chr16:53,686,450, C>T on the plus strand (G>A on the coding strand, the complement: RPGRIP1L is on the minus strand). VCF-style: chr16-53686450-C-T. GRCh37 (hg19) VCF-style: chr16-53720362-C-T.
Other names: c.759G>A, p.Gln253= (NM_001127897.4, NM_001308334.3, NM_001330538.2); c.759G>A (NM_015272.4).
Identifiers: ClinVar variation 2146739 (VCV002146739.5), dbSNP rs1430647199, ClinGen allele CA495539000.

ClinVar aggregate classification (germline): Likely benign. Review status: criteria provided, multiple submitters, no conflicts (2 of 4 stars). 2 submissions from 2 submitters: Likely benign (2). Last evaluated 2026-02-01.

Conditions:
RPGRIP1L-related disorder. Also called: RPGRIP1L-related condition; RPGRIP1L-related disorders. Identifiers: MedGen CN239416.
Joubert syndrome. Also called: JOUBERT-BOLTSHAUSER SYNDROME; Familial aplasia of the vermis. Identifiers: Orphanet 475, MedGen C5979921, MONDO:0018772.
Meckel-Gruber syndrome. Also called: DYSENCEPHALIA SPLANCHNOCYSTICA; GRUBER SYNDROME; Dysencephalia splachnocystica. Identifiers: Orphanet 564, MedGen C0265215, MONDO:0018921.

Allele frequency attached by ClinVar (database versions not stated): TOPMed below 0.00001; gnomAD exomes 0.00001; gnomAD 0.00003.
gnomAD v4.1: 21 of 1,613,176 alleles (0.0013%); highest among the groups gnomAD compares: Non-Finnish European, 0.0017%; no homozygotes.

Submissions (2):

Labcorp Genetics (formerly Invitae), Labcorp
Classification: Likely benign for Joubert syndrome; Meckel-Gruber syndrome. Last evaluated: 2026-02-01. Review status: criteria provided, single submitter. Criteria: Invitae Variant Classification Sherloc (09022015). Collection method: clinical testing. Allele origin: germline.

PreventionGenetics, part of Exact Sciences
Classification: Likely benign for RPGRIP1L-related condition. Last evaluated: 2025-03-25. Review status: criteria provided, single submitter. Criteria: ACMG Guidelines, 2015. Collection method: clinical testing. Allele origin: germline.
Comment: This variant is classified as likely benign based on ACMG/AMP sequence variant interpretation guidelines (Richards et al. 2015 PMID: 25741868, with internal and published modifications).